The following is an entry in ClinVar:

ClinVar aggregate classification (germline): Likely pathogenic (1 of 4 stars; one submission).

Submission:

GeneDx
Classification: Likely pathogenic. Last evaluated: 2025-07-17. Review status: criteria provided, single submitter. Criteria: GeneDx Variant Classification Process June 2021. Collection method: clinical testing. Allele origin: germline.
Comment: Observed in unrelated patients with features suggestive of TET3-related disorder referred for testing at GeneDx (Brown et al. (2025) Gen Med. 3 (2) DOI 10.1016/j.gimo.2025.103254); No data available from ethnically-matched control populations to assess the frequency of this variant; Nonsense variant predicted to result in protein truncation or nonsense mediated decay in a gene for which loss of function is a known mechanism of disease; This variant is associated with the following publications: (PMID: Brown_2025)

NM_001287491.2(TET3):c.7C>T (p.Gln3Ter)

Gene: TET3 (tet methylcytosine dioxygenase 3; plus strand). Cytogenetic location: 2p13.1.
Variant type: single nucleotide variant.
Coding change: c.7C>T on transcript NM_001287491.2 (MANE Select); coding-DNA position 7, C replaced by T.
Protein change: p.Gln3Ter; replaces glutamine 3 with a stop codon.
Molecular consequence: nonsense.
Genome position (GRCh38, 1-based): chr2:73,986,410, C>T. VCF-style: chr2-73986410-C-T. GRCh37 (hg19) VCF-style: chr2-74213537-C-T.
Other names: short protein forms Q3*.
Identifiers: ClinVar variation 2446221 (VCV002446221.2), dbSNP rs2467149782, ClinGen allele CA347306842.